The following is an entry in ClinVar:

NM_024422.6(DSC2):c.882A>G (p.Leu294=)

Gene: DSC2 (desmocollin 2; minus strand). Cytogenetic location: 18q12.1.
Variant type: single nucleotide variant.
Coding change: c.882A>G on transcript NM_024422.6 (MANE Select); coding-DNA position 882, A replaced by G.
Protein change: p.Leu294=; no amino-acid change (leucine 294 retained).
Molecular consequence: synonymous variant.
Genome position (GRCh38, 1-based): chr18:31,086,636, T>C on the plus strand (A>G on the coding strand, the complement: DSC2 is on the minus strand). VCF-style: chr18-31086636-T-C. GRCh37 (hg19) VCF-style: chr18-28666599-T-C.
Other names: c.453A>G, p.Leu151= (NM_001406506.1, NM_001406507.1); c.882A>G, p.Leu294= (NM_004949.5).
Identifiers: ClinVar variation 2188698 (VCV002188698.5), dbSNP rs2510951202, ClinGen allele CA503388519.

ClinVar aggregate classification (germline): Likely benign. Review status: criteria provided, multiple submitters, no conflicts (2 of 4 stars). 2 submissions from 2 submitters: Likely benign (2). Last evaluated 2023-08-15.

Conditions:
Familial isolated arrhythmogenic right ventricular dysplasia. Identifiers: Orphanet 217656, MedGen C4274968, MONDO:0016342.
Arrhythmogenic right ventricular dysplasia 11. Also called: Arrhythmogenic right ventricular dysplasia 11 with mild palmoplantar keratoderma and woolly hair; Arrhythmogenic Right Ventricular Dysplasia/Cardiomyopathy11; ARRHYTHMOGENIC RIGHT VENTRICULAR DYSPLASIA, FAMILIAL, 11. Identifiers: MedGen C1864850, MONDO:0012506, OMIM 610476.

Allele frequency attached by ClinVar (database versions not stated): gnomAD exomes below 0.00001.
gnomAD v4.1: 5 of 1,614,116 alleles (0.00031%); highest among the groups gnomAD compares: Middle Eastern, 0.017%; no homozygotes.

Submissions (2):

All of Us Research Program, National Institutes of Health
Classification: Likely benign for Familial isolated arrhythmogenic right ventricular dysplasia. Last evaluated: 2023-08-15. Review status: criteria provided, single submitter. Criteria: ACMG Guidelines, 2015. Collection method: clinical testing. Allele origin: germline. Inheritance: Autosomal dominant inheritance. Observed: 1 variant allele, 1 heterozygote.
Comment: This study involves interpretation of variants in research participants for the purpose of population health screening. Participant phenotype was not available at the time of variant classification. Additional details can be found in publication PMID: 35346344, PMCID: PMC8962531

Labcorp Genetics (formerly Invitae), Labcorp
Classification: Likely benign for Arrhythmogenic right ventricular dysplasia 11. Last evaluated: 2023-08-01. Review status: criteria provided, single submitter. Criteria: Invitae Variant Classification Sherloc (09022015). Collection method: clinical testing. Allele origin: germline.